The following is an entry in ClinVar:

NM_001042492.3(NF1):c.1467_1468dup (p.Lys490fs)

Gene: NF1 (neurofibromin 1; plus strand). Cytogenetic location: 17q11.2.
Variant type: Microsatellite.
Coding change: c.1467_1468dup on transcript NM_001042492.3 (MANE Select); coding-DNA positions 1467 to 1468, 2 bases duplicated (TA; older notation c.1467_1468dupTA).
Protein change: p.Lys490fs; shifts the reading frame from lysine 490.
Molecular consequence: frameshift variant.
Genome position (GRCh38, 1-based): chr17:31,214,525-31,214,526, TA duplicated; duplicating any 2 consecutive bases within chr17:31,214,523-31,214,526 gives the same sequence; the c. name uses the placement nearest the transcript's 3' end. VCF-style (leftmost placement, unchanged base first): chr17-31214522-C-CTA. GRCh37 (hg19) VCF-style: chr17-29541540-C-CTA.
Other names: c.1465_1466TA[3], p.Lys490Ilefs (NM_000267.4); c.1467_1468dup, p.Lys490fs (NM_001128147.3); short protein forms K490fs.
Identifiers: ClinVar variation 2736512 (VCV002736512.3), dbSNP rs2544829510, ClinGen allele CA2695224684.

ClinVar aggregate classification (germline): Pathogenic (1 of 4 stars; one submission).

Conditions:
Neurofibromatosis, type 1 (NF1). Also called: Neurofibromatosis, type I; Peripheral type neurofibromatosis; VON RECKLINGHAUSEN DISEASE; NEUROFIBROMATOSIS, TYPE I, SOMATIC. Identifiers: Orphanet 636, MedGen C0027831, MONDO:0018975, OMIM 162200. Disease mechanism: loss of function.

Submission:

Labcorp Genetics (formerly Invitae), Labcorp
Classification: Pathogenic for Neurofibromatosis, type 1. Last evaluated: 2023-09-27. Review status: criteria provided, single submitter. Criteria: Invitae Variant Classification Sherloc (09022015). Collection method: clinical testing. Allele origin: germline.
Comment: For these reasons, this variant has been classified as Pathogenic. This premature translational stop signal has been observed in individual(s) with neurofibromatosis type 1 (PMID: 25074460). This variant is not present in population databases (gnomAD no frequency). This sequence change creates a premature translational stop signal (p.Lys490Ilefs*9) in the NF1 gene. It is expected to result in an absent or disrupted protein product. Loss-of-function variants in NF1 are known to be pathogenic (PMID: 10712197, 23913538).

Literature cited by the submitters: PubMed 25074460; PubMed 10712197; PubMed 23913538.